The following is an entry in ClinVar:

NM_052947.4(ALPK2):c.4294G>C (p.Glu1432Gln)

Genes: ALPK2 (alpha kinase 2; minus strand), LOC126862764 (BRD4-independent group 4 enhancer GRCh37_chr18:56202574-56203773; plus strand). Cytogenetic location: 18q21.31.
Variant type: single nucleotide variant.
Coding change: c.4294G>C on transcript NM_052947.4 (MANE Select); coding-DNA position 4294, G replaced by C.
Protein change: p.Glu1432Gln; replaces glutamic acid 1432 with glutamine.
Molecular consequence: missense variant.
Genome position (GRCh38, 1-based): chr18:58,535,893, C>G on the plus strand (G>C on the coding strand, the complement: ALPK2 is on the minus strand). VCF-style: chr18-58535893-C-G. GRCh37 (hg19) VCF-style: chr18-56203125-C-G.
Other names: short protein forms E1432Q.
Identifiers: ClinVar variation 3228732 (VCV003228732.1), dbSNP rs767336572, ClinGen allele CA402563315.

ClinVar aggregate classification (germline): Uncertain significance (1 of 4 stars; one submission).

gnomAD v4.1: 1 of 1,614,226 alleles (0.000062%); highest among the groups gnomAD compares: Non-Finnish European, 0.000085%; no homozygotes.

Submission:

Ambry Genetics
Classification: Uncertain significance. Last evaluated: 2023-09-17. Review status: criteria provided, single submitter. Criteria: Ambry Variant Classification Scheme 2023. Collection method: clinical testing. Allele origin: germline.
Comment: The p.E1432Q variant (also known as c.4294G>C), located in coding exon 4 of the ALPK2 gene, results from a G to C substitution at nucleotide position 4294. The glutamic acid at codon 1432 is replaced by glutamine, an amino acid with highly similar properties. This amino acid position is conserved. In addition, this alteration is predicted to be tolerated by in silico analysis. Since supporting evidence is limited at this time, the clinical significance of this alteration remains unclear.